The following is an entry in ClinVar:

NM_001244926.2(PRPF4):c.869C>G (p.Pro290Arg)

Gene: PRPF4 (pre-mRNA splicing tri-snRNP complex factor PRPF4; plus strand). Cytogenetic location: 9q32.
Variant type: single nucleotide variant.
Coding change: c.869C>G on transcript NM_001244926.2 (MANE Select); coding-DNA position 869, C replaced by G.
Protein change: p.Pro290Arg; replaces proline 290 with arginine.
Molecular consequence: missense variant. On other transcripts: non-coding transcript variant (2).
Genome position (GRCh38, 1-based): chr9:113,286,765, C>G. VCF-style: chr9-113286765-C-G. GRCh37 (hg19) VCF-style: chr9-116049045-C-G.
Other names: c.143C>G, p.Pro48Arg (NM_001322266.2, NM_001322267.2); c.872C>G, p.Pro291Arg (NM_004697.5); short protein forms P290R, P291R, P48R.
Identifiers: ClinVar variation 3617807 (VCV003617807.2).

ClinVar aggregate classification (germline): Uncertain significance (1 of 4 stars; one submission).

gnomAD v4.1: 4 of 1,614,036 alleles (0.00025%); highest among the groups gnomAD compares: Admixed American, 0.0067%; no homozygotes.

Submission:

Labcorp Genetics (formerly Invitae), Labcorp
Classification: Uncertain significance. Last evaluated: 2025-01-06. Review status: criteria provided, single submitter. Criteria: Invitae Variant Classification Sherloc (09022015). Collection method: clinical testing. Allele origin: germline.
Comment: This sequence change replaces proline, which is neutral and non-polar, with arginine, which is basic and polar, at codon 291 of the PRPF4 protein (p.Pro291Arg). This variant is present in population databases (rs772193477, gnomAD 0.009%). This variant has not been reported in the literature in individuals affected with PRPF4-related conditions. An algorithm developed to predict the effect of missense changes on protein structure and function (PolyPhen-2) suggests that this variant is likely to be tolerated. In summary, the available evidence is currently insufficient to determine the role of this variant in disease. Therefore, it has been classified as a Variant of Uncertain Significance.